The following is an entry in ClinVar:

NM_000238.4(KCNH2):c.2399G>C (p.Gly800Ala)

Gene: KCNH2 (potassium voltage-gated channel subfamily H member 2; minus strand). Cytogenetic location: 7q36.1.
Variant type: single nucleotide variant.
Coding change: c.2399G>C on transcript NM_000238.4 (MANE Select); coding-DNA position 2399, G replaced by C.
Protein change: p.Gly800Ala; replaces glycine 800 with alanine.
Molecular consequence: missense variant.
Genome position (GRCh38, 1-based): chr7:150,949,049, C>G on the plus strand (G>C on the coding strand, the complement: KCNH2 is on the minus strand). VCF-style: chr7-150949049-C-G. GRCh37 (hg19) VCF-style: chr7-150646137-C-G.
Other names: c.2111G>C, p.Gly704Ala (NM_001406753.1); c.1379G>C, p.Gly460Ala (NM_172057.3); short protein forms G460A, G704A, G800A.
Identifiers: ClinVar variation 1714460 (VCV001714460.5), dbSNP rs199473536, ClinGen allele CA369855404.
Genomic context (GRCh38, chr7:150,949,049, plus strand): 5'-CCGTTCGACTTGCCAGGCCTTGCATACAGGTTCAGAGGCTCCCCAAAGATGTCATTCTTC[C>G]CTGGAGGCCATGGAGAGGACAGGGAGCTCAGCCCCGGGGGGCGGCATCCAGGCAGCAGGC-3'
Protein context (NP_000229.1, residues 790-810): LRGDVVVAIL[Gly800Ala]KNDIFGEPLN

ClinVar aggregate classification (germline): Uncertain significance (1 of 4 stars; one submission).

Conditions:
Long QT syndrome (LQTS). Identifiers: MedGen C0023976, MeSH D008133, MONDO:0002442. Disease mechanism: loss of function. Inheritance: Various modes of inheritance.

Submission:

Labcorp Genetics (formerly Invitae), Labcorp
Classification: Uncertain significance for Long QT syndrome. Last evaluated: 2022-07-30. Review status: criteria provided, single submitter. Criteria: Invitae Variant Classification Sherloc (09022015). Collection method: clinical testing. Allele origin: germline.
Comment: This sequence change replaces glycine, which is neutral and non-polar, with alanine, which is neutral and non-polar, at codon 800 of the KCNH2 protein (p.Gly800Ala). This variant is not present in population databases (gnomAD no frequency). This variant has not been reported in the literature in individuals affected with KCNH2-related conditions. Algorithms developed to predict the effect of missense changes on protein structure and function are either unavailable or do not agree on the potential impact of this missense change (SIFT: "Deleterious"; PolyPhen-2: "Probably Damaging"; Align-GVGD: "Class C0"). In summary, the available evidence is currently insufficient to determine the role of this variant in disease. Therefore, it has been classified as a Variant of Uncertain Significance.